The following is an entry in ClinVar:

NM_003072.5(SMARCA4):c.860-19G>T

Gene: SMARCA4 (SWI/SNF related BAF chromatin remodeling complex subunit ATPase 4; plus strand). Cytogenetic location: 19p13.2.
Variant type: single nucleotide variant.
Coding change: c.860-19G>T on transcript NM_003072.5 (MANE Select); 19 bases into the intron before coding-DNA position 860, G replaced by T.
Molecular consequence: intron variant.
Genome position (GRCh38, 1-based): chr19:10,987,647, G>T. VCF-style: chr19-10987647-G-T. GRCh37 (hg19) VCF-style: chr19-11098323-G-T.
Other names: c.860-19G>T (NM_001128844.3, NM_001128849.3, NM_001128847.4 and 5 more transcripts).
Identifiers: ClinVar variation 512347 (VCV000512347.13), dbSNP rs779390573, ClinGen allele CA9203610.
Genomic context (GRCh38, chr19:10,987,647, plus strand): 5'-AGCTCAGCAGCTTTCCATTTCCAGCCCGGGATGGGCCCCAGAGCTCAACATGACGCCCTG[G>T]CCCCTTGCCTTCTCCCAGGACCCATGGCGAATGCTGCTGCCCCCACGAGCACCCCTCAGA-3'

ClinVar aggregate classification (germline): Conflicting classifications of pathogenicity. Review status: criteria provided, conflicting classifications (1 of 4 stars). 5 submissions from 5 submitters: Uncertain significance (1); Benign (1); Likely benign (3). Last evaluated 2026-07-09.

Conditions:
Rhabdoid tumor predisposition syndrome 2 (RTPS2). Identifiers: Orphanet 231108, Orphanet 69077, MedGen C2750074, MONDO:0013224, OMIM 613325.
Hereditary cancer-predisposing syndrome. Also called: Tumor predisposition; Neoplastic Syndromes, Hereditary; Hereditary Cancer Syndrome; Hereditary neoplastic syndrome. Identifiers: Orphanet 140162, MedGen C0027672, MeSH D009386, MONDO:0015356.

Allele frequency attached by ClinVar (database versions not stated): TOPMed 0.00006; gnomAD 0.00009 and 0.00008; ExAC 0.00004.
gnomAD v4.1: 244 of 1,612,760 alleles (0.015%); highest among the groups gnomAD compares: Non-Finnish European, 0.019%; 1 homozygote.

Submissions (5):

Myriad Genetics, Inc.
Classification: Benign for Rhabdoid tumor predisposition syndrome 2. Last evaluated: 2026-07-09. Review status: criteria provided, single submitter. Criteria: Myriad Autosomal Dominant, Autosomal Recessive and X-Linked Classification Criteria (2023). Collection method: clinical testing. Allele origin: unknown.
Comment: This variant is considered benign. This variant is intronic and is not expected to impact mRNA splicing. This variant has been observed at a population frequency that is significantly greater than expected given the associated disease prevalence and penetrance.

Labcorp Genetics (formerly Invitae), Labcorp
Classification: Likely benign for Rhabdoid tumor predisposition syndrome 2. Last evaluated: 2026-02-02. Review status: criteria provided, single submitter. Criteria: Invitae Variant Classification Sherloc (09022015). Collection method: clinical testing. Allele origin: germline.

Blueprint Genetics
Classification: Likely benign. Last evaluated: 2020-10-09. Review status: criteria provided, single submitter. Criteria: ACMG Guidelines, 2015. Collection method: clinical testing. Allele origin: germline.

GeneDx
Classification: Likely benign. Last evaluated: 2017-09-27. Review status: criteria provided, single submitter. Criteria: GeneDx Variant Classification (06012015). Collection method: clinical testing. Allele origin: germline. Affected: yes.
Comment: This variant is considered likely benign or benign based on one or more of the following criteria: it is a conservative change, it occurs at a poorly conserved position in the protein, it is predicted to be benign by multiple in silico algorithms, and/or has population frequency not consistent with disease.

Ambry Genetics
Classification: Uncertain significance for Hereditary cancer-predisposing syndrome. Last evaluated: 2015-09-04. Review status: criteria provided, single submitter. Criteria: Ambry Variant Classification Scheme 2023. Collection method: clinical testing. Allele origin: germline.
Comment: The c.860-19G>T intronic alteration consists of a G to T substitution 19 nucleotides before coding exon 5 in the SMARCA4 gene. Based on insufficient or conflicting evidence, the clinical significance of this alteration remains unclear.